The following is an entry in ClinVar:

NM_170754.4(TNS2):c.1304G>A (p.Arg435Gln)

Gene: TNS2 (tensin 2; plus strand). Cytogenetic location: 12q13.13.
Variant type: single nucleotide variant.
Coding change: c.1304G>A on transcript NM_170754.4 (MANE Select); coding-DNA position 1304, G replaced by A.
Protein change: p.Arg435Gln; replaces arginine 435 with glutamine.
Molecular consequence: missense variant.
Genome position (GRCh38, 1-based): chr12:53,058,726, G>A. VCF-style: chr12-53058726-G-A. GRCh37 (hg19) VCF-style: chr12-53452510-G-A.
Other names: c.1304G>A, p.Arg435Gln (NM_001416202.1, NM_001416204.1); c.1235G>A, p.Arg412Gln (NM_001416203.1, NM_015319.3); c.932G>A, p.Arg311Gln (NM_198316.2); short protein forms R311Q, R412Q, R435Q.
Identifiers: ClinVar variation 2634998 (VCV002634998.3), dbSNP rs201129791, ClinGen allele CA6592286.

ClinVar aggregate classification (germline): Uncertain significance. Review status: criteria provided, multiple submitters, no conflicts (2 of 4 stars). 2 submissions from 2 submitters: Uncertain significance (2). Last evaluated 2025-06-12.

Conditions:
TNS2-related disorder. Also called: TNS2-related condition.

Allele frequency attached by ClinVar (database versions not stated): ESP Exome Variant Server 0.00015; gnomAD exomes 0.00018; ExAC 0.00021; 1000 Genomes Project 30x 0.00062; gnomAD 0.00018; TOPMed 0.00019; 1000 Genomes Project 0.00020.
gnomAD v4.1: 294 of 1,613,984 alleles (0.018%); highest among the groups gnomAD compares: South Asian, 0.13%; no homozygotes.

Submissions (2):

Labcorp Genetics (formerly Invitae), Labcorp
Classification: Uncertain significance. Last evaluated: 2025-06-12. Review status: criteria provided, single submitter. Criteria: Invitae Variant Classification Sherloc (09022015). Collection method: clinical testing. Allele origin: germline.
Comment: This sequence change replaces arginine, which is basic and polar, with glutamine, which is neutral and polar, at codon 445 of the TNS2 protein (p.Arg445Gln). This variant is present in population databases (rs201129791, gnomAD 0.1%), and has an allele count higher than expected for a pathogenic variant. This missense change has been observed in individual(s) with nephrotic syndrome (PMID: 29773874). ClinVar contains an entry for this variant (Variation ID: 2634998). An algorithm developed to predict the effect of missense changes on protein structure and function outputs the following: PolyPhen-2: "Benign". The glutamine amino acid residue is found in multiple mammalian species, which suggests that this missense change does not adversely affect protein function. Experimental studies have shown that this missense change affects TNS2 function (PMID: 29773874). In summary, the available evidence is currently insufficient to determine the role of this variant in disease. Therefore, it has been classified as a Variant of Uncertain Significance.

PreventionGenetics, part of Exact Sciences
Classification: Uncertain significance for TNS2-related condition. Last evaluated: 2022-12-21. Review status: criteria provided, single submitter. Criteria: ACMG Guidelines, 2015. Collection method: clinical testing. Allele origin: germline.
Comment: The TNS2 c.1334G>A variant is predicted to result in the amino acid substitution p.Arg445Gln. This variant was reported in the compound heterozygous state in an individual with steroid-dependent nephrotic syndrome (Supp. Table 1 in Ashraf et al 2018. PubMed ID: 29773874). This variant is reported in 0.13% of alleles in individuals of South Asian descent in gnomAD. At this time, the clinical significance of this variant is uncertain due to the absence of conclusive functional and genetic evidence.

Literature cited by the submitters: PubMed 29773874 (cited by Labcorp Genetics (formerly Invitae), Labcorp).